The following is an entry in ClinVar:

NM_000301.5(PLG):c.1414G>A (p.Asp472Asn)

Gene: PLG (plasminogen; plus strand). Cytogenetic location: 6q26.
Variant type: single nucleotide variant.
Coding change: c.1414G>A on transcript NM_000301.5 (MANE Select); coding-DNA position 1414, G replaced by A.
Protein change: p.Asp472Asn; replaces aspartic acid 472 with asparagine.
Molecular consequence: missense variant.
Genome position (GRCh38, 1-based): chr6:160,731,208, G>A. VCF-style: chr6-160731208-G-A. GRCh37 (hg19) VCF-style: chr6-161152240-G-A.
Other names: short protein forms D472N.
Identifiers: ClinVar variation 692202 (VCV000692202.14), dbSNP rs4252125, ClinGen allele CA4087772.

ClinVar aggregate classification (germline): Benign. Review status: criteria provided, multiple submitters, no conflicts (2 of 4 stars). 5 submissions from 5 submitters: Benign (4). 1 of the submissions does not count toward it. Last evaluated 2026-02-04.

Conditions:
Otitis media, susceptibility to (OMS). Also called: COME/ROM; OTITIS MEDIA, CHRONIC/RECURRENT. Identifiers: MedGen C1833692, MONDO:0008162, OMIM 166760.

Allele frequency attached by ClinVar (database versions not stated): 1000 Genomes Project 0.13978; 1000 Genomes Project 30x 0.14350; TOPMed 0.22787; gnomAD 0.23155 and 0.23826; ESP Exome Variant Server 0.26203; gnomAD exomes 0.21455; ExAC 0.21712.
gnomAD v4.1: 418,261 of 1,613,350 alleles (26%); highest among the groups gnomAD compares: Non-Finnish European, 29%; 58,614 homozygotes.

Submissions (5):

Labcorp Genetics (formerly Invitae), Labcorp
Classification: Benign. Last evaluated: 2026-02-04. Review status: criteria provided, single submitter. Criteria: Invitae Variant Classification Sherloc (09022015). Collection method: clinical testing. Allele origin: germline.

Blueprint Genetics
Classification: Benign. Last evaluated: 2024-11-27. Review status: criteria provided, single submitter. Criteria: ACMG Guidelines, 2015. Collection method: clinical testing. Allele origin: germline.

Mayo Clinic Laboratories, Mayo Clinic
Classification: Benign. Last evaluated: 2023-10-04. Review status: criteria provided, single submitter. Criteria: ACMG Guidelines, 2015. Collection method: clinical testing. Allele origin: germline. Observed: 615 variant alleles.
Comment: BA1, BS1, BP4

GeneDx
Classification: Benign. Last evaluated: 2021-06-09. Review status: criteria provided, single submitter. Criteria: GeneDx Variant Classification Process June 2021. Collection method: clinical testing. Allele origin: germline. Affected: yes.
Comment: This variant is associated with the following publications: (PMID: 18566672, 15269832)

Santos-Cortez Lab, University of Colorado School of Medicine
Classification: Benign for Otitis media, susceptibility to. Last evaluated: 2019-07-26. Review status: no assertion criteria provided. Collection method: research. Allele origin: germline. Affected: yes. Not counted in ClinVar's aggregate classification.

Literature cited by the submitters: PubMed 15269832 (cited by Mayo Clinic Laboratories, Mayo Clinic); PubMed 28876531 (cited by Mayo Clinic Laboratories, Mayo Clinic).